The following is an entry in ClinVar:

NM_001297.5(CNGB1):c.1699C>T (p.Arg567Trp)

Gene: CNGB1 (cyclic nucleotide gated channel subunit beta 1; minus strand). Cytogenetic location: 16q21.
Variant type: single nucleotide variant.
Coding change: c.1699C>T on transcript NM_001297.5 (MANE Select); coding-DNA position 1699, C replaced by T.
Protein change: p.Arg567Trp; replaces arginine 567 with tryptophan.
Molecular consequence: missense variant.
Genome position (GRCh38, 1-based): chr16:57,920,489, G>A on the plus strand (C>T on the coding strand, the complement: CNGB1 is on the minus strand). VCF-style: chr16-57920489-G-A. GRCh37 (hg19) VCF-style: chr16-57954393-G-A.
Other names: c.1681C>T, p.Arg561Trp (NM_001286130.2); c.1699C>T (NM_001297.4); short protein forms R561W, R567W.
Identifiers: ClinVar variation 1009199 (VCV001009199.10), dbSNP rs556362158, ClinGen allele CA8083316.

ClinVar aggregate classification (germline): Conflicting classifications of pathogenicity. Review status: criteria provided, conflicting classifications (1 of 4 stars). 5 submissions from 5 submitters: Uncertain significance (4); Likely benign (1). Last evaluated 2025-08-06.

Conditions:
CNGB1-related disorder. Also called: CNGB1-related condition.
Retinitis pigmentosa 45 (RP45). Identifiers: Orphanet 791, MedGen C3151066, MONDO:0013413, OMIM 613767.

Allele frequency attached by ClinVar (database versions not stated): gnomAD 0.00005 and 0.00008; gnomAD exomes 0.00005; TOPMed 0.00009; 1000 Genomes Project 0.00100; 1000 Genomes Project 30x 0.00109.
gnomAD v4.1: 79 of 1,614,114 alleles (0.0049%); highest among the groups gnomAD compares: East Asian, 0.06%; no homozygotes.

Submissions (5):

PreventionGenetics, part of Exact Sciences
Classification: Likely benign for CNGB1-related condition. Last evaluated: 2025-08-06. Review status: criteria provided, single submitter. Criteria: ACMG Guidelines, 2015. Collection method: clinical testing. Allele origin: germline.
Comment: This variant is classified as likely benign based on ACMG/AMP sequence variant interpretation guidelines (Richards et al. 2015 PMID: 25741868, with internal and published modifications).

Labcorp Genetics (formerly Invitae), Labcorp
Classification: Uncertain significance. Last evaluated: 2024-12-24. Review status: criteria provided, single submitter. Criteria: Invitae Variant Classification Sherloc (09022015). Collection method: clinical testing. Allele origin: germline.
Comment: This sequence change replaces arginine, which is basic and polar, with tryptophan, which is neutral and slightly polar, at codon 567 of the CNGB1 protein (p.Arg567Trp). This variant is present in population databases (rs556362158, gnomAD 0.2%). This variant has not been reported in the literature in individuals affected with CNGB1-related conditions. ClinVar contains an entry for this variant (Variation ID: 1009199). Invitae Evidence Modeling of protein sequence and biophysical properties (such as structural, functional, and spatial information, amino acid conservation, physicochemical variation, residue mobility, and thermodynamic stability) indicates that this missense variant is expected to disrupt CNGB1 protein function with a positive predictive value of 80%. In summary, the available evidence is currently insufficient to determine the role of this variant in disease. Therefore, it has been classified as a Variant of Uncertain Significance.

Blueprint Genetics
Classification: Uncertain significance. Last evaluated: 2023-04-21. Review status: criteria provided, single submitter. Criteria: ACMG Guidelines, 2015. Collection method: clinical testing. Allele origin: germline.

Fulgent Genetics
Classification: Uncertain significance for Retinitis pigmentosa 45. Last evaluated: 2021-10-01. Review status: criteria provided, single submitter. Criteria: ACMG Guidelines, 2015. Collection method: clinical testing. Allele origin: unknown.

Juno Genomics, Hangzhou Juno Genomics, Inc
Classification: Uncertain significance for Retinitis pigmentosa 45. Review status: criteria provided, single submitter. Criteria: ACMG Guidelines, 2015. Collection method: clinical testing. Allele origin: germline.
Comment: Multiple lines of computational evidence support a deleterious effect on the gene or gene product.